The following is an entry in ClinVar:

ClinVar aggregate classification (germline): Uncertain significance (1 of 4 stars; one submission).

Conditions:
Primary dilated cardiomyopathy (DCM). Also called: Dilated Cardiomyopathy. Identifiers: Orphanet 217604, MedGen C0007193, MeSH D002311, MONDO:0005021, HP:0001644. Inheritance: Various modes of inheritance.

Submission:

Victorian Clinical Genetics Services, Murdoch Childrens Research Institute
Classification: Uncertain significance for Primary dilated cardiomyopathy. Last evaluated: 2026-06-16. Review status: criteria provided, single submitter. Criteria: ACMG Guidelines, 2015. Collection method: clinical testing. Allele origin: germline. Affected: yes.
Comment: This variant is classified as VUS-3B. Evidence in support of pathogenic classification: Variant is absent from gnomAD (v2, v3 and v4). Additional information: Variant is predicted to result in a missense amino acid change from glutamic acid to glycine; This variant is heterozygous; This gene is associated with autosomal dominant disease; Alternative amino acid change(s) at the same position are present in gnomAD (Highest allele count: v4: 9 heterozygote(s), 0 homozygote(s)); This variant has no previous evidence of pathogenicity; No published segregation evidence has been identified for this variant; No published functional evidence has been identified for this variant; Another missense variant(s) comparable to the one identified in this case has inconclusive previous evidence for pathogenicity. p.(Glu2Lys) has been classified as a VUS by multiple clinical laboratories in ClinVar; Variant is not located in an established domain, motif, hotspot or informative constraint region; Missense variant with inconclusive in silico prediction and uninformative conservation; Loss of function and gain of function are known mechanisms of disease in this gene and are associated with atrial septal defect 4 (MIM#611363) and dilated cardiomyopathy (MONDO:0005021), TBX20-related. Loss of function is associated with null and missense variants while gain of function has been reported for a single missense variant in an individual with atrial septal defect (PMIDs: 27642787, 19762328).

Literature cited by the submitters: PubMed 27642787; PubMed 19762328.

NM_001077653.2(TBX20):c.5A>G (p.Glu2Gly)

Gene: TBX20 (T-box transcription factor 20; minus strand). Cytogenetic location: 7p14.2.
Variant type: single nucleotide variant.
Coding change: c.5A>G on transcript NM_001077653.2 (MANE Select); coding-DNA position 5, A replaced by G.
Protein change: p.Glu2Gly; replaces glutamic acid 2 with glycine.
Molecular consequence: missense variant.
Genome position (GRCh38, 1-based): chr7:35,253,616, T>C on the plus strand (A>G on the coding strand, the complement: TBX20 is on the minus strand). VCF-style: chr7-35253616-T-C. GRCh37 (hg19) VCF-style: chr7-35293227-T-C.
Other names: c.5A>G, p.Glu2Gly (NM_001166220.1); short protein forms E2G.
Identifiers: ClinVar variation 4532067 (VCV004532067.2).